The following is an entry in ClinVar:

ClinVar aggregate classification (germline): Uncertain significance (1 of 4 stars; one submission).

Conditions:
Inborn genetic diseases. Identifiers: MedGen C0950123, MeSH D030342.

Submission:

Ambry Genetics
Classification: Uncertain significance for Inborn genetic diseases. Last evaluated: 2017-01-08. Review status: criteria provided, single submitter. Criteria: Ambry Variant Classification Scheme 2023. Collection method: clinical testing. Allele origin: germline.
Comment: The p.D368V variant (also known as c.1103A>T), located in coding exon 8 of the SCN2A gene, results from an A to T substitution at nucleotide position 1103. The aspartic acid at codon 368 is replaced by valine, an amino acid with highly dissimilar properties. This amino acid position is highly conserved in available vertebrate species. In addition, this alteration is predicted to be deleterious by in silico analysis. Since supporting evidence is limited at this time, the clinical significance of this alteration remains unclear.

NM_001040142.2(SCN2A):c.1103A>T (p.Asp368Val)

Gene: SCN2A (sodium voltage-gated channel alpha subunit 2; plus strand). Cytogenetic location: 2q24.3.
Variant type: single nucleotide variant.
Coding change: c.1103A>T on transcript NM_001040142.2 (MANE Select); coding-DNA position 1103, A replaced by T.
Protein change: p.Asp368Val; replaces aspartic acid 368 with valine.
Molecular consequence: missense variant.
Genome position (GRCh38, 1-based): chr2:165,313,688, A>T. VCF-style: chr2-165313688-A-T. GRCh37 (hg19) VCF-style: chr2-166170198-A-T.
Other names: c.1103A>T, p.Asp368Val (NM_001040143.2, NM_001371246.1, NM_001371247.1 and 1 more transcripts); short protein forms D368V.
Identifiers: ClinVar variation 588644 (VCV000588644.5), dbSNP rs1559355584, ClinGen allele CA349020719.